The following is an entry in ClinVar:

NM_000256.3(MYBPC3):c.2122A>G (p.Ser708Gly)

Gene: MYBPC3 (myosin binding protein C3; minus strand). Cytogenetic location: 11p11.2.
Variant type: single nucleotide variant.
Coding change: c.2122A>G on transcript NM_000256.3 (MANE Select); coding-DNA position 2122, A replaced by G.
Protein change: p.Ser708Gly; replaces serine 708 with glycine.
Molecular consequence: missense variant.
Genome position (GRCh38, 1-based): chr11:47,339,350, T>C on the plus strand (A>G on the coding strand, the complement: MYBPC3 is on the minus strand). VCF-style: chr11-47339350-T-C. GRCh37 (hg19) VCF-style: chr11-47360901-T-C.
Other names: short protein forms S708G.
Identifiers: ClinVar variation 3387123 (VCV003387123.1).

ClinVar aggregate classification (germline): Uncertain significance (1 of 4 stars; one submission).

Conditions:
Hypertrophic cardiomyopathy. Also called: HYPERTROPHIC MYOCARDIOPATHY. Identifiers: Orphanet 217569, MedGen C0007194, MeSH D002312, MONDO:0005045, HP:0001639.

Submission:

All of Us Research Program, National Institutes of Health
Classification: Uncertain significance for Hypertrophic cardiomyopathy. Last evaluated: 2024-03-24. Review status: criteria provided, single submitter. Criteria: ACMG Guidelines, 2015. Collection method: clinical testing. Allele origin: germline. Inheritance: Autosomal dominant inheritance. Observed: 1 variant allele, 1 heterozygote.
Comment: This missense variant replaces serine with glycine at codon 708 of the MYBPC3 protein. Computational prediction suggests that this variant may not impact protein structure and function (internally defined REVEL score threshold <= 0.5, PMID: 27666373). To our knowledge, functional studies have not been reported for this variant. This variant has not been reported in individuals affected with MYBPC3-related disorders in the literature. This variant has not been identified in the general population by the Genome Aggregation Database (gnomAD). The available evidence is insufficient to determine the role of this variant in disease conclusively. Therefore, this variant is classified as a Variant of Uncertain Significance.

This study involves interpretation of variants in research participants for the purpose of population health screening. Participant phenotype was not available at the time of variant classification. Additional details can be found in publication PMID: 35346344, PMCID: PMC8962531